The following is an entry in ClinVar:

NM_001372.4(DNAH9):c.2940C>T (p.Asp980=)

Genes: DNAH9 (dynein axonemal heavy chain 9; plus strand), LOC126862505 (BRD4-independent group 4 enhancer GRCh37_chr17:11572478-11573677; plus strand). Cytogenetic location: 17p12.
Variant type: single nucleotide variant.
Coding change: c.2940C>T on transcript NM_001372.4 (MANE Select); coding-DNA position 2940, C replaced by T.
Protein change: p.Asp980=; no amino-acid change (aspartic acid 980 retained).
Molecular consequence: synonymous variant.
Genome position (GRCh38, 1-based): chr17:11,669,381, C>T. VCF-style: chr17-11669381-C-T. GRCh37 (hg19) VCF-style: chr17-11572698-C-T.
Other names: c.2940C>T (NM_001372.3).
Identifiers: ClinVar variation 1622068 (VCV001622068.11), dbSNP rs75178605, ClinGen allele CA8395328.
Genomic context (GRCh38, chr17:11,669,381, plus strand): 5'-TCCTGCCACACACTGGTGTAACCTGCCTGCCGTTGTCTCGCTTCCCCAGGTCGACCTGGA[C>T]GGTATACCAGATTTGGCAAACATGCGGCGCACACTCATGGAGAGAGTCCAGAGAATGATG-3'
Protein context (NP_001363.2, residues 970-990): NGSPHYQVDL[Asp980=]GIPDLANMRR

ClinVar aggregate classification (germline): Benign/Likely benign. Review status: criteria provided, multiple submitters, no conflicts (2 of 4 stars). 4 submissions from 4 submitters: Benign (2); Likely benign (2). Last evaluated 2026-05-10.

Conditions:
DNAH9-related disorder. Also called: DNAH9-related condition.

Allele frequency attached by ClinVar (database versions not stated): gnomAD exomes 0.00010 and 0.00022; ExAC 0.00026; 1000 Genomes Project 0.00100; gnomAD 0.00106 and 0.00117; 1000 Genomes Project 30x 0.00109; TOPMed 0.00122; ESP Exome Variant Server 0.00123.

Submissions (4):

PreventionGenetics, part of Exact Sciences
Classification: Likely benign for DNAH9-related condition. Last evaluated: 2026-05-10. Review status: criteria provided, single submitter. Criteria: ACMG Guidelines, 2015. Collection method: clinical testing. Allele origin: germline.
Comment: This variant is classified as likely benign based on ACMG/AMP sequence variant interpretation guidelines (Richards et al. 2015 PMID: 25741868, with internal and published modifications).

Labcorp Genetics (formerly Invitae), Labcorp
Classification: Benign. Last evaluated: 2025-12-19. Review status: criteria provided, single submitter. Criteria: Invitae Variant Classification Sherloc (09022015). Collection method: clinical testing. Allele origin: germline.

Blueprint Genetics
Classification: Likely benign. Last evaluated: 2024-03-26. Review status: criteria provided, single submitter. Criteria: ACMG Guidelines, 2015. Collection method: clinical testing. Allele origin: germline.

Breakthrough Genomics
Classification: Benign. Review status: criteria provided, single submitter. Criteria: ACMG Guidelines, 2015. Collection method: not provided. Allele origin: germline. Inheritance: Autosomal recessive inheritance. Affected: yes.